The following is an entry in ClinVar:

ClinVar aggregate classification (germline): Uncertain significance (1 of 4 stars; one submission).

Submission:

Labcorp Genetics (formerly Invitae), Labcorp
Classification: Uncertain significance. Last evaluated: 2022-05-21. Review status: criteria provided, single submitter. Criteria: Invitae Variant Classification Sherloc (09022015). Collection method: clinical testing. Allele origin: germline.
Comment: In summary, the available evidence is currently insufficient to determine the role of this variant in disease. Therefore, it has been classified as a Variant of Uncertain Significance. Algorithms developed to predict the effect of sequence changes on RNA splicing suggest that this variant may create or strengthen a splice site. This variant has not been reported in the literature in individuals affected with SNRNP200-related conditions. This variant is not present in population databases (gnomAD no frequency). This sequence change falls in intron 38 of the SNRNP200 gene. It does not directly change the encoded amino acid sequence of the SNRNP200 protein.

NM_014014.5(SNRNP200):c.5488+12C>T

Gene: SNRNP200 (small nuclear ribonucleoprotein U5 subunit 200; minus strand). Cytogenetic location: 2q11.2.
Variant type: single nucleotide variant.
Coding change: c.5488+12C>T on transcript NM_014014.5 (MANE Select); 12 bases into the intron after coding-DNA position 5488, C replaced by T.
Molecular consequence: intron variant.
Genome position (GRCh38, 1-based): chr2:96,278,535, G>A on the plus strand (C>T on the coding strand, the complement: SNRNP200 is on the minus strand). VCF-style: chr2-96278535-G-A. GRCh37 (hg19) VCF-style: chr2-96944273-G-A.
Identifiers: ClinVar variation 1350554 (VCV001350554.6), dbSNP rs2104332419, ClinGen allele CA2573135938.